The following is an entry in ClinVar:

ClinVar aggregate classification (germline): Benign. Review status: criteria provided, multiple submitters, no conflicts (2 of 4 stars). 4 submissions from 4 submitters: Benign (4). Last evaluated 2026-02-03.

Conditions:
Retinitis pigmentosa (RP). Identifiers: Orphanet 791, MedGen C0035334, MeSH D012174, MONDO:0019200, OMIM 268000. Inheritance: Autosomal dominant, autosomal recessive and X linked inheritance.
Retinitis pigmentosa 38 (RP38). Also called: ROD-CONE DYSTROPHY, CHILDHOOD-ONSET. Identifiers: Orphanet 791, MedGen C3151228, MONDO:0013469, OMIM 613862.

Allele frequency attached by ClinVar (database versions not stated): 1000 Genomes Project 30x 0.29232; 1000 Genomes Project 0.29692; ESP Exome Variant Server 0.29994; TOPMed 0.30039.
gnomAD v4.1: 461,180 of 1,590,016 alleles (29%); highest among the groups gnomAD compares: Admixed American, 40%; 70,402 homozygotes.

Submissions (17):

Labcorp Genetics (formerly Invitae), Labcorp
Classification: Benign. Last evaluated: 2026-02-03. Review status: criteria provided, single submitter. Criteria: Invitae Variant Classification Sherloc (09022015). Collection method: clinical testing. Allele origin: germline.

Genome-Nilou Lab
Classification: Benign for Retinitis pigmentosa 38. Last evaluated: 2021-09-05. Review status: criteria provided, single submitter. Criteria: ACMG Guidelines, 2015. Collection method: clinical testing. Allele origin: germline. Affected: no.

Illumina Laboratory Services, Illumina
Classification: Benign for Retinitis pigmentosa. Last evaluated: 2018-01-12. Review status: criteria provided, single submitter. Criteria: ICSL Variant Classification Criteria 13 December 2019. Collection method: clinical testing. Allele origin: germline.
Comment: This variant was observed in the ICSL laboratory as part of a predisposition screen in an ostensibly healthy population. It had not been previously curated by ICSL or reported in the Human Gene Mutation Database (HGMD: prior to June 1st, 2018), and was therefore a candidate for classification through an automated scoring system. Utilizing variant allele frequency, disease prevalence and penetrance estimates, and inheritance mode, an automated score was calculated to assess if this variant is too frequent to cause the disease. Based on the score and internal cut-off values, a variant classified as benign is not then subjected to further curation. The score for this variant resulted in a classification of benign for this disease.

Breakthrough Genomics
Classification: Benign. Review status: criteria provided, single submitter. Criteria: ACMG Guidelines, 2015. Collection method: not provided. Allele origin: germline. Inheritance: Autosomal recessive inheritance. Affected: yes.

Dr. Peter K. Rogan Lab, Western University
No classification provided (evidence only). Condition: Malignant lymphoma, large B-cell, diffuse. Review status: no classification provided. Collection method: in vitro. Allele origin: not applicable. Functional consequence: retained intron. Not counted in ClinVar's aggregate classification.

Dr. Peter K. Rogan Lab, Western University
No classification provided (evidence only). Condition: Hepatocellular carcinoma. Review status: no classification provided. Collection method: in vitro. Allele origin: not applicable. Functional consequence: skipped exon, retained intron. Not counted in ClinVar's aggregate classification.

Dr. Peter K. Rogan Lab, Western University
No classification provided (evidence only). Condition: Hepatocellular carcinoma. Review status: no classification provided. Collection method: in vitro. Allele origin: not applicable. Functional consequence: retained intron. Not counted in ClinVar's aggregate classification.

Dr. Peter K. Rogan Lab, Western University
No classification provided (evidence only). Condition: Hepatocellular carcinoma. Review status: no classification provided. Collection method: in vitro. Allele origin: not applicable. Functional consequence: retained intron. Not counted in ClinVar's aggregate classification.

Dr. Peter K. Rogan Lab, Western University
No classification provided (evidence only). Condition: Hepatocellular carcinoma. Review status: no classification provided. Collection method: in vitro. Allele origin: not applicable. Functional consequence: retained intron. Not counted in ClinVar's aggregate classification.

Dr. Peter K. Rogan Lab, Western University
No classification provided (evidence only). Condition: Hepatocellular carcinoma. Review status: no classification provided. Collection method: in vitro. Allele origin: not applicable. Functional consequence: retained intron. Not counted in ClinVar's aggregate classification.

Dr. Peter K. Rogan Lab, Western University
No classification provided (evidence only). Condition: Hepatocellular carcinoma. Review status: no classification provided. Collection method: in vitro. Allele origin: not applicable. Functional consequence: retained intron. Not counted in ClinVar's aggregate classification.

Dr. Peter K. Rogan Lab, Western University
No classification provided (evidence only). Condition: Hepatocellular carcinoma. Review status: no classification provided. Collection method: in vitro. Allele origin: not applicable. Functional consequence: skipped exon, retained intron. Not counted in ClinVar's aggregate classification.

Dr. Peter K. Rogan Lab, Western University
No classification provided (evidence only). Condition: Hepatocellular carcinoma. Review status: no classification provided. Collection method: in vitro. Allele origin: not applicable. Functional consequence: retained intron. Not counted in ClinVar's aggregate classification.

Dr. Peter K. Rogan Lab, Western University
No classification provided (evidence only). Condition: Hepatocellular carcinoma. Review status: no classification provided. Collection method: in vitro. Allele origin: not applicable. Functional consequence: retained intron. Not counted in ClinVar's aggregate classification.

Dr. Peter K. Rogan Lab, Western University
No classification provided (evidence only). Condition: Hepatocellular carcinoma. Review status: no classification provided. Collection method: in vitro. Allele origin: not applicable. Functional consequence: retained intron. Not counted in ClinVar's aggregate classification.

Dr. Peter K. Rogan Lab, Western University
No classification provided (evidence only). Condition: Hepatocellular carcinoma. Review status: no classification provided. Collection method: in vitro. Allele origin: not applicable. Functional consequence: retained intron. Not counted in ClinVar's aggregate classification.

Dr. Peter K. Rogan Lab, Western University
No classification provided (evidence only). Condition: Hepatocellular carcinoma. Review status: no classification provided. Collection method: in vitro. Allele origin: not applicable. Functional consequence: skipped exon, retained intron. Not counted in ClinVar's aggregate classification.

NM_006343.3(MERTK):c.2080-11C>A

Gene: MERTK (MER proto-oncogene, tyrosine kinase; plus strand). Cytogenetic location: 2q13.
Variant type: single nucleotide variant.
Coding change: c.2080-11C>A on transcript NM_006343.3 (MANE Select); 11 bases into the intron before coding-DNA position 2080, C replaced by A.
Molecular consequence: intron variant.
Genome position (GRCh38, 1-based): chr2:112,019,402, C>A. VCF-style: chr2-112019402-C-A. GRCh37 (hg19) VCF-style: chr2-112776979-C-A.
Identifiers: ClinVar variation 330766 (VCV000330766.18), dbSNP rs3811640, ClinGen allele CA1831708.